The following is an entry in ClinVar:

ClinVar aggregate classification (germline): Uncertain significance. Review status: criteria provided, multiple submitters, no conflicts (2 of 4 stars). 3 submissions from 3 submitters: Uncertain significance (3). Last evaluated 2024-09-11.

Conditions:
Hereditary cancer-predisposing syndrome. Also called: Tumor predisposition; Hereditary neoplastic syndrome; Neoplastic Syndromes, Hereditary; Hereditary Cancer Syndrome. Identifiers: Orphanet 140162, MedGen C0027672, MeSH D009386, MONDO:0015356.

Allele frequency attached by ClinVar (database versions not stated): gnomAD exomes below 0.00001; TOPMed below 0.00001; gnomAD 0.00001.
gnomAD v4.1: 3 of 1,613,116 alleles (0.00019%); highest among the groups gnomAD compares: Admixed American, 0.0017%; no homozygotes.

Submissions (3):

GeneDx
Classification: Uncertain significance. Last evaluated: 2024-09-11. Review status: criteria provided, single submitter. Criteria: GeneDx Variant Classification Process June 2021. Collection method: clinical testing. Allele origin: germline. Affected: yes.
Comment: Not observed at significant frequency in large population cohorts (gnomAD); In silico analysis indicates that this missense variant does not alter protein structure/function; Has not been previously published as pathogenic or benign to our knowledge

Labcorp Genetics (formerly Invitae), Labcorp
Classification: Uncertain significance. Last evaluated: 2024-04-16. Review status: criteria provided, single submitter. Criteria: Invitae Variant Classification Sherloc (09022015). Collection method: clinical testing. Allele origin: germline.
Comment: This sequence change replaces histidine, which is basic and polar, with tyrosine, which is neutral and polar, at codon 112 of the NTHL1 protein (p.His112Tyr). This variant is present in population databases (no rsID available, gnomAD 0.003%). This variant has not been reported in the literature in individuals affected with NTHL1-related conditions. ClinVar contains an entry for this variant (Variation ID: 861453). An algorithm developed to predict the effect of missense changes on protein structure and function (PolyPhen-2) suggests that this variant¬†is likely to be tolerated. In summary, the available evidence is currently insufficient to determine the role of this variant in disease. Therefore, it has been classified as a Variant of Uncertain Significance.

Ambry Genetics
Classification: Uncertain significance for Hereditary cancer-predisposing syndrome. Last evaluated: 2024-01-17. Review status: criteria provided, single submitter. Criteria: Ambry Variant Classification Scheme 2023. Collection method: clinical testing. Allele origin: germline.
Comment: The p.H112Y variant (also known as c.334C>T), located in coding exon 2 of the NTHL1 gene, results from a C to T substitution at nucleotide position 334. The histidine at codon 112 is replaced by tyrosine, an amino acid with similar properties. This amino acid position is conserved. In addition, this alteration is predicted to be tolerated by in silico analysis. Since supporting evidence is limited at this time, the clinical significance of this alteration remains unclear.

NM_002528.7(NTHL1):c.310C>T (p.His104Tyr)

Gene: NTHL1 (nth like DNA glycosylase 1; minus strand). Cytogenetic location: 16p13.3.
Variant type: single nucleotide variant.
Coding change: c.310C>T on transcript NM_002528.7 (MANE Select); coding-DNA position 310, C replaced by T.
Protein change: p.His104Tyr; replaces histidine 104 with tyrosine.
Molecular consequence: missense variant. On other transcripts: intron variant (1).
Genome position (GRCh38, 1-based): chr16:2,046,172, G>A on the plus strand (C>T on the coding strand, the complement: NTHL1 is on the minus strand). VCF-style: chr16-2046172-G-A. GRCh37 (hg19) VCF-style: chr16-2096173-G-A.
Other names: c.310C>T, p.His104Tyr (NM_001318193.2); c.24+108C>T (NM_001318194.2); short protein forms H104Y.
Identifiers: ClinVar variation 861453 (VCV000861453.12), dbSNP rs1306653290, ClinGen allele CA394295413.
Genomic context (GRCh38, chr16:2,046,172, plus strand): 5'-TGGGGCCCCTGCCTACCTTTGGGGGGGCACTGGAGTCATAGCAGTGCTCAGTCCCCAGAT[G>A]GTCCACAGGTGCATCCTTTTTGTTCCTCATGGCACGGATGTTGACCAGCTGTTGCTGCCA-3'
Protein context (NP_002519.2, residues 94-114): MRNKKDAPVD[His104Tyr]LGTEHCYDSS